The following is an entry in ClinVar:

NM_014874.4(MFN2):c.1409_1410del (p.Ile470fs)

Gene: MFN2 (mitofusin 2; plus strand). Cytogenetic location: 1p36.22.
Variant type: Deletion.
Coding change: c.1409_1410del on transcript NM_014874.4 (MANE Select); coding-DNA positions 1409 to 1410, 2 bases deleted (TA; older notation c.1409_1410delTA).
Protein change: p.Ile470fs; shifts the reading frame from isoleucine 470.
Molecular consequence: frameshift variant.
Genome position (GRCh38, 1-based): chr1:12,004,841-12,004,842, TA deleted; deleting any 2 consecutive bases within chr1:12,004,840-12,004,842 gives the same sequence; the c. name uses the placement nearest the transcript's 3' end. VCF-style (leftmost placement, unchanged base first): chr1-12004839-CAT-C. GRCh37 (hg19) VCF-style: chr1-12064896-CAT-C.
Other names: c.1409_1410del, p.Ile470fs (NM_001127660.2); short protein forms I470fs.
Identifiers: ClinVar variation 817847 (VCV000817847.1), dbSNP rs1569862384, ClinGen allele CA915941137.

ClinVar aggregate classification (germline): Likely pathogenic (1 of 4 stars; one submission).

Submission:

GeneDx
Classification: Likely pathogenic. Last evaluated: 2018-10-04. Review status: criteria provided, single submitter. Criteria: GeneDx Variant Classification (06012015). Collection method: clinical testing. Allele origin: germline. Affected: yes.
Comment: The c.1409_1410delTA variant in the MFN2 gene causes a frameshift starting with codon Isoleucine 470, changes this amino acid to a Arginine residue and creates a premature Stop codon at position 10 of the new reading frame, denoted p.Ile470ArgfsX10. This variant is predicted to cause loss of normal protein function either through protein truncation or nonsense-mediated mRNA decay. Loss of function variants in the MFN2 gene are associated with autosomal recessive MFN2-related disorders (Piscosquito et al., 2015). Although this variant has not been previously reported to our knowledge, we interpret c.1409_1410delTA to be a likely pathogenic variant.